The following is an entry in ClinVar:

NM_000051.4(ATM):c.4814C>A (p.Ala1605Glu)

Gene: ATM (ATM serine/threonine kinase; plus strand). Cytogenetic location: 11q22.3.
Variant type: single nucleotide variant.
Coding change: c.4814C>A on transcript NM_000051.4 (MANE Select); coding-DNA position 4814, C replaced by A.
Protein change: p.Ala1605Glu; replaces alanine 1605 with glutamic acid.
Molecular consequence: missense variant.
Genome position (GRCh38, 1-based): chr11:108,294,964, C>A. VCF-style: chr11-108294964-C-A. GRCh37 (hg19) VCF-style: chr11-108165691-C-A.
Other names: c.4814C>A, p.Ala1605Glu (NM_001351834.2); short protein forms A1605E.
Identifiers: ClinVar variation 2769240 (VCV002769240.3), dbSNP rs786203520, ClinGen allele CA382536627.

ClinVar aggregate classification (germline): Uncertain significance (1 of 4 stars; one submission).

Conditions:
Ataxia-telangiectasia syndrome (AT). Also called: Ataxia-telangiectasia, complementation group D; LOUIS-BAR SYNDROME; ATAXIA-TELANGIECTASIA, COMPLEMENTATION GROUP A; ATAXIA-TELANGIECTASIA, FRESNO VARIANT; Ataxia telangiectasia (A-T); Cerebello-oculocutaneous telangiectasia. Identifiers: Orphanet 100, MedGen C0004135, MONDO:0008840, OMIM 208900.

Submission:

Labcorp Genetics (formerly Invitae), Labcorp
Classification: Uncertain significance for Ataxia-telangiectasia syndrome. Last evaluated: 2023-10-17. Review status: criteria provided, single submitter. Criteria: Invitae Variant Classification Sherloc (09022015). Collection method: clinical testing. Allele origin: germline.
Comment: This sequence change replaces alanine, which is neutral and non-polar, with glutamic acid, which is acidic and polar, at codon 1605 of the ATM protein (p.Ala1605Glu). This variant is not present in population databases (gnomAD no frequency). This variant has not been reported in the literature in individuals affected with ATM-related conditions. An algorithm developed to predict the effect of missense changes on protein structure and function (PolyPhen-2) suggests that this variant is likely to be tolerated. In summary, the available evidence is currently insufficient to determine the role of this variant in disease. Therefore, it has been classified as a Variant of Uncertain Significance.